The following is an entry in ClinVar:

NM_001136191.3(KANK2):c.2526G>C (p.Glu842Asp)

Gene: KANK2 (KN motif and ankyrin repeat domains 2; minus strand). Cytogenetic location: 19p13.2.
Variant type: single nucleotide variant.
Coding change: c.2526G>C on transcript NM_001136191.3 (MANE Select); coding-DNA position 2526, G replaced by C.
Protein change: p.Glu842Asp; replaces glutamic acid 842 with aspartic acid.
Molecular consequence: missense variant.
Genome position (GRCh38, 1-based): chr19:11,166,588, C>G on the plus strand (G>C on the coding strand, the complement: KANK2 is on the minus strand). VCF-style: chr19-11166588-C-G. GRCh37 (hg19) VCF-style: chr19-11277264-C-G.
Other names: c.2526G>C, p.Glu842Asp (NM_001329451.2, NM_001379555.1, NM_001379556.1 and 7 more transcripts); c.2550G>C, p.Glu850Asp (NM_001379548.1, NM_001379549.1, NM_001379550.1 and 5 more transcripts); short protein forms E842D, E850D.
Identifiers: ClinVar variation 4768630 (VCV004768630.1).
Genomic context (GRCh38, chr19:11,166,588, plus strand): 5'-CGGTCTGGCTGGTCCCCGCCTCCCTCACGGCTACTCTTCTGCCGAGGATGATGTAGGGCT[C>G]TCGTCATCTGACATTGGGGCAAACTGAAACAGAGAAGCAGAATTCTTTTTGTTTGGGATC-3'
Protein context (NP_001129663.1, residues 832-851): KCSFAPMSDD[Glu842Asp]SPTSSSAEE

ClinVar aggregate classification (germline): Uncertain significance (1 of 4 stars; one submission).

Submission:

Labcorp Genetics (formerly Invitae), Labcorp
Classification: Uncertain significance. Last evaluated: 2025-10-11. Review status: criteria provided, single submitter. Criteria: Invitae Variant Classification Sherloc (09022015). Collection method: clinical testing. Allele origin: germline.
Comment: This sequence change replaces glutamic acid, which is acidic and polar, with aspartic acid, which is acidic and polar, at codon 842 of the KANK2 protein (p.Glu842Asp). This variant is not present in population databases (gnomAD no frequency). This variant has not been reported in the literature in individuals affected with KANK2-related conditions. An algorithm developed to predict the effect of missense changes on protein structure and function (PolyPhen-2) suggests that this variant is likely to be tolerated. In summary, the available evidence is currently insufficient to determine the role of this variant in disease. Therefore, it has been classified as a Variant of Uncertain Significance.